The following is an entry in ClinVar:

ClinVar aggregate classification (germline): Uncertain significance (1 of 4 stars; one submission).

Conditions:
TMEM67-related disorder. Also called: TMEM67-related condition; TMEM67-related disorders. Identifiers: MedGen CN239423.

Submission:

PreventionGenetics, part of Exact Sciences
Classification: Uncertain significance for TMEM67-related condition. Last evaluated: 2026-06-24. Review status: criteria provided, single submitter. Criteria: ACMG Guidelines, 2015. Collection method: clinical testing. Allele origin: germline.
Comment: The TMEM67 c.2275A>G variant is predicted to result in the amino acid substitution p.Ile759Val. To our knowledge, this variant has not been reported in the literature or in a large population database (gnomAD), indicating this variant is rare. At this time, the clinical significance of this variant is uncertain due to the absence of conclusive functional and genetic evidence.

NM_153704.6(TMEM67):c.2275A>G (p.Ile759Val)

Gene: TMEM67 (transmembrane protein 67; plus strand). Cytogenetic location: 8q22.1.
Variant type: single nucleotide variant.
Coding change: c.2275A>G on transcript NM_153704.6 (MANE Select); coding-DNA position 2275, A replaced by G.
Protein change: p.Ile759Val; replaces isoleucine 759 with valine.
Molecular consequence: missense variant. On other transcripts: non-coding transcript variant (1).
Genome position (GRCh38, 1-based): chr8:93,803,637, A>G. VCF-style: chr8-93803637-A-G. GRCh37 (hg19) VCF-style: chr8-94815865-A-G.
Other names: c.2032A>G, p.Ile678Val (NM_001142301.1); short protein forms I678V, I759V.
Identifiers: ClinVar variation 4999777 (VCV004999777.1).